The following is an entry in ClinVar:

NM_000051.4(ATM):c.5856T>C (p.Phe1952=)

Genes: C11orf65 (chromosome 11 open reading frame 65; minus strand), ATM (ATM serine/threonine kinase; plus strand). Cytogenetic location: 11q22.3.
Variant type: single nucleotide variant.
Coding change: c.5856T>C on transcript NM_000051.4 (MANE Select); coding-DNA position 5856, T replaced by C.
Protein change: p.Phe1952=; no amino-acid change (phenylalanine 1952 retained).
Molecular consequence: synonymous variant. On other transcripts: intron variant (2).
Genome position (GRCh38, 1-based): chr11:108,310,253, T>C. VCF-style: chr11-108310253-T-C. GRCh37 (hg19) VCF-style: chr11-108180980-T-C.
Other names: c.5856T>C, p.Phe1952= (NM_001351834.2); c.641-1182A>G (NM_001330368.2); c.*39-1182A>G (NM_001351110.2).
Identifiers: ClinVar variation 219891 (VCV000219891.19), dbSNP rs864622297, ClinGen allele CA349409.

ClinVar aggregate classification (germline): Benign/Likely benign. Review status: criteria provided, multiple submitters, no conflicts (2 of 4 stars). 4 submissions from 4 submitters: Benign (1); Likely benign (3). Last evaluated 2025-11-10.

Conditions:
Hereditary cancer-predisposing syndrome. Also called: Neoplastic Syndromes, Hereditary; Hereditary neoplastic syndrome; Tumor predisposition; Hereditary Cancer Syndrome. Identifiers: Orphanet 140162, MedGen C0027672, MeSH D009386, MONDO:0015356.
Familial cancer of breast. Also called: hereditary breast carcinoma; Hereditary breast cancer; BREAST CANCER, FAMILIAL. Identifiers: Orphanet 227535, MedGen C0346153, MONDO:0016419, OMIM 114480. Disease mechanism: loss of function.
Ataxia-telangiectasia syndrome (AT). Also called: Ataxia telangiectasia (A-T); Cerebello-oculocutaneous telangiectasia; Immunodeficiency with ataxia telangiectasia; LOUIS-BAR SYNDROME; AT, COMPLEMENTATION GROUP C; ATAXIA-TELANGIECTASIA, FRESNO VARIANT. Identifiers: Orphanet 100, MedGen C0004135, MONDO:0008840, OMIM 208900.

Submissions (4):

Labcorp Genetics (formerly Invitae), Labcorp
Classification: Likely benign for Ataxia-telangiectasia syndrome. Last evaluated: 2025-11-10. Review status: criteria provided, single submitter. Criteria: Invitae Variant Classification Sherloc (09022015). Collection method: clinical testing. Allele origin: germline.

Myriad Genetics, Inc.
Classification: Benign for Familial cancer of breast. Last evaluated: 2024-05-24. Review status: criteria provided, single submitter. Criteria: Myriad Autosomal Dominant, Autosomal Recessive and X-Linked Classification Criteria (2023). Collection method: clinical testing. Allele origin: unknown.
Comment: This variant is considered benign. This variant is a silent/synonymous amino acid change and it is not expected to impact splicing.

Color Diagnostics, LLC DBA Color Health
Classification: Likely benign for Hereditary cancer-predisposing syndrome. Last evaluated: 2019-07-08. Review status: criteria provided, single submitter. Criteria: ACMG Guidelines, 2015. Collection method: clinical testing. Allele origin: germline.

Ambry Genetics
Classification: Likely benign for Hereditary cancer-predisposing syndrome. Last evaluated: 2015-09-13. Review status: criteria provided, single submitter. Criteria: Ambry Variant Classification Scheme 2023. Collection method: clinical testing. Allele origin: germline.